The following is an entry in ClinVar:

ClinVar aggregate classification (germline): Uncertain significance (1 of 4 stars; one submission).

Submission:

Labcorp Genetics (formerly Invitae), Labcorp
Classification: Uncertain significance. Last evaluated: 2022-12-11. Review status: criteria provided, single submitter. Criteria: Invitae Variant Classification Sherloc (09022015). Collection method: clinical testing. Allele origin: germline.
Comment: In summary, the available evidence is currently insufficient to determine the role of this variant in disease. Therefore, it has been classified as a Variant of Uncertain Significance. Advanced modeling of protein sequence and biophysical properties (such as structural, functional, and spatial information, amino acid conservation, physicochemical variation, residue mobility, and thermodynamic stability) has been performed at Invitae for this missense variant, however the output from this modeling did not meet the statistical confidence thresholds required to predict the impact of this variant on CACNA1E protein function. This variant has not been reported in the literature in individuals affected with CACNA1E-related conditions. This variant is not present in population databases (gnomAD no frequency). This sequence change replaces alanine, which is neutral and non-polar, with valine, which is neutral and non-polar, at codon 47 of the CACNA1E protein (p.Ala47Val).

NM_001205293.3(CACNA1E):c.140C>T (p.Ala47Val)

Gene: CACNA1E (calcium voltage-gated channel subunit alpha1 E; plus strand). Cytogenetic location: 1q25.3.
Variant type: single nucleotide variant.
Coding change: c.140C>T on transcript NM_001205293.3 (MANE Select); coding-DNA position 140, C replaced by T.
Protein change: p.Ala47Val; replaces alanine 47 with valine.
Molecular consequence: missense variant.
Genome position (GRCh38, 1-based): chr1:181,483,884, C>T. VCF-style: chr1-181483884-C-T. GRCh37 (hg19) VCF-style: chr1-181453020-C-T.
Other names: c.140C>T, p.Ala47Val (NM_000721.4, NM_001205294.2); short protein forms A47V.
Identifiers: ClinVar variation 2820136 (VCV002820136.3), dbSNP rs1383093652, ClinGen allele CA343844431.
Genomic context (GRCh38, chr1:181,483,884, plus strand): 5'-GAACCCCCGTGCCGGCCTCGGGGCAGGCGGCCGCCTACAAGCAGACGAAAGCACAGAGGG[C>T]GCGGACTATGGCTTTGTACAACCCCATTCCCGTCCGGCAGAACTGTTTCACCGTCAACAG-3'
Protein context (NP_001192222.1, residues 37-57): AAYKQTKAQR[Ala47Val]RTMALYNPIP